The following is an entry in ClinVar:

ClinVar aggregate classification (germline): Uncertain significance (1 of 4 stars; one submission).

Conditions:
Fanconi anemia complementation group J. Also called: BRIP1-Related Fanconi Anemia. Identifiers: Orphanet 84, MedGen C1836860, MONDO:0012187, OMIM 609054.
Familial cancer of breast. Also called: BREAST CANCER, FAMILIAL; hereditary breast carcinoma; Hereditary breast cancer. Identifiers: Orphanet 227535, MedGen C0346153, MONDO:0016419, OMIM 114480. Disease mechanism: loss of function.

Submission:

Labcorp Genetics (formerly Invitae), Labcorp
Classification: Uncertain significance for Familial cancer of breast; Fanconi anemia complementation group J. Last evaluated: 2020-09-04. Review status: criteria provided, single submitter. Criteria: Invitae Variant Classification Sherloc (09022015). Collection method: clinical testing. Allele origin: germline.
Comment: This variant has not been reported in the literature in individuals with BRIP1-related conditions. In summary, the available evidence is currently insufficient to determine the role of this variant in disease. Therefore, it has been classified as a Variant of Uncertain Significance. Algorithms developed to predict the effect of missense changes on protein structure and function are either unavailable or do not agree on the potential impact of this missense change (SIFT: "Deleterious"; PolyPhen-2: "Probably Damaging"; Align-GVGD: "Class C15"). This variant is not present in population databases (ExAC no frequency). This sequence change replaces serine with tyrosine at codon 309 of the BRIP1 protein (p.Ser309Tyr). The serine residue is highly conserved and there is a large physicochemical difference between serine and tyrosine.

NM_032043.3(BRIP1):c.926C>A (p.Ser309Tyr)

Gene: BRIP1 (BRCA1 interacting DNA helicase 1; minus strand). Cytogenetic location: 17q23.2.
Variant type: single nucleotide variant.
Coding change: c.926C>A on transcript NM_032043.3 (MANE Select); coding-DNA position 926, C replaced by A.
Protein change: p.Ser309Tyr; replaces serine 309 with tyrosine.
Molecular consequence: missense variant.
Genome position (GRCh38, 1-based): chr17:61,801,467, G>T on the plus strand (C>A on the coding strand, the complement: BRIP1 is on the minus strand). VCF-style: chr17-61801467-G-T. GRCh37 (hg19) VCF-style: chr17-59878828-G-T.
Other names: short protein forms S309Y.
Identifiers: ClinVar variation 1025128 (VCV001025128.9), dbSNP rs2077993753, ClinGen allele CA400484315.
Genomic context (GRCh38, chr17:61,801,467, plus strand): 5'-TGGAAAGTCTGTAATGTGTGCTGATCACTAATTTTATGAACTCCATGATAAAAATAGCAG[G>T]ATTTTCCCTAGAAACAAATATGCATAACTGAAATGTGAACCAATATTAGCATAGAAGGAA-3'
Protein context (NP_114432.2, residues 299-319): MELLDGKNGK[Ser309Tyr]CYFYHGVHKI